The following is an entry in ClinVar:

NM_001330078.2(NRXN1):c.10G>A (p.Ala4Thr)

Gene: NRXN1 (neurexin 1; minus strand). Cytogenetic location: 2p16.3.
Variant type: single nucleotide variant.
Coding change: c.10G>A on transcript NM_001330078.2 (MANE Select); coding-DNA position 10, G replaced by A.
Protein change: p.Ala4Thr; replaces alanine 4 with threonine.
Molecular consequence: missense variant.
Genome position (GRCh38, 1-based): chr2:51,028,264, C>T on the plus strand (G>A on the coding strand, the complement: NRXN1 is on the minus strand). VCF-style: chr2-51028264-C-T. GRCh37 (hg19) VCF-style: chr2-51255402-C-T.
Other names: c.10G>A, p.Ala4Thr (NM_001135659.3, NM_001330077.2, NM_001330079.2 and 15 more transcripts); short protein forms A4T.
Identifiers: ClinVar variation 2187811 (VCV002187811.3), dbSNP rs201209686, ClinGen allele CA48054952.

ClinVar aggregate classification (germline): Uncertain significance (1 of 4 stars; one submission).

Conditions:
Pitt-Hopkins-like syndrome 2 (PTHSL2). Identifiers: Orphanet 221150, Orphanet 600663, MedGen C3280479, MONDO:0013690, OMIM 614325.

Allele frequency attached by ClinVar (database versions not stated): gnomAD 0.00001; gnomAD exomes 0.00001; TOPMed 0.00002.
gnomAD v4.1: 19 of 1,449,154 alleles (0.0013%); highest among the groups gnomAD compares: South Asian, 0.0015%; no homozygotes.

Submission:

Labcorp Genetics (formerly Invitae), Labcorp
Classification: Uncertain significance for Pitt-Hopkins-like syndrome 2. Last evaluated: 2023-07-27. Review status: criteria provided, single submitter. Criteria: Invitae Variant Classification Sherloc (09022015). Collection method: clinical testing. Allele origin: germline.
Comment: In summary, the available evidence is currently insufficient to determine the role of this variant in disease. Therefore, it has been classified as a Variant of Uncertain Significance. An algorithm developed to predict the effect of missense changes on protein structure and function (PolyPhen-2) suggests that this variant is likely to be disruptive. ClinVar contains an entry for this variant (Variation ID: 2187811). This variant has not been reported in the literature in individuals affected with NRXN1-related conditions. The frequency data for this variant in the population databases is considered unreliable, as metrics indicate poor data quality at this position in the gnomAD database. This sequence change replaces alanine, which is neutral and non-polar, with threonine, which is neutral and polar, at codon 4 of the NRXN1 protein (p.Ala4Thr).